The following is an entry in ClinVar:

ClinVar aggregate classification (germline): Uncertain significance (1 of 4 stars; one submission).

Allele frequency attached by ClinVar (database versions not stated): TOPMed 0.00001; gnomAD 0.00002; gnomAD exomes 0.00002.
gnomAD v4.1: 33 of 1,555,976 alleles (0.0021%); highest among the groups gnomAD compares: African/African-American, 0.0027%; no homozygotes.

Submission:

Labcorp Genetics (formerly Invitae), Labcorp
Classification: Uncertain significance. Last evaluated: 2021-09-01. Review status: criteria provided, single submitter. Criteria: Invitae Variant Classification Sherloc (09022015). Collection method: clinical testing. Allele origin: germline.
Comment: This sequence change replaces serine with arginine at codon 9 of the HELLS protein (p.Ser9Arg). The serine residue is weakly conserved and there is a moderate physicochemical difference between serine and arginine. The frequency data for this variant in the population databases is considered unreliable, as metrics indicate poor data quality at this position in the ExAC database. This variant has not been reported in the literature in individuals affected with HELLS-related conditions. Algorithms developed to predict the effect of missense changes on protein structure and function (SIFT, PolyPhen-2, Align-GVGD) all suggest that this variant is likely to be tolerated. In summary, the available evidence is currently insufficient to determine the role of this variant in disease. Therefore, it has been classified as a Variant of Uncertain Significance.

NM_018063.5(HELLS):c.25A>C (p.Ser9Arg)

Gene: HELLS (helicase, lymphoid specific; plus strand). Cytogenetic location: 10q23.33.
Variant type: single nucleotide variant.
Coding change: c.25A>C on transcript NM_018063.5 (MANE Select); coding-DNA position 25, A replaced by C.
Protein change: p.Ser9Arg; replaces serine 9 with arginine.
Molecular consequence: missense variant. On other transcripts: 5 prime UTR variant (4), intron variant (1).
Genome position (GRCh38, 1-based): chr10:94,545,946, A>C. VCF-style: chr10-94545946-A-C. GRCh37 (hg19) VCF-style: chr10-96305703-A-C.
Other names: c.25A>C, p.Ser9Arg (NM_001289067.2, NM_001289069.2, NM_001289070.2 and 1 more transcripts); c.-392A>C (NM_001289071.2); c.-325A>C (NM_001289073.2); c.-978A>C (NM_001289074.2); c.-997A>C (NM_001289075.2); c.-18+39A>C (NM_001289068.2); short protein forms S9R.
Identifiers: ClinVar variation 1987881 (VCV001987881.1), dbSNP rs745372372, ClinGen allele CA5615119.